The following is an entry in ClinVar:

ClinVar aggregate classification (germline): Uncertain significance (1 of 4 stars; one submission).

Allele frequency attached by ClinVar (database versions not stated): gnomAD exomes below 0.00001; ExAC 0.00002.
gnomAD v4.1: 3 of 1,613,240 alleles (0.00019%); highest among the groups gnomAD compares: East Asian, 0.0022%; no homozygotes.

Submission:

GeneDx
Classification: Uncertain significance. Last evaluated: 2023-03-29. Review status: criteria provided, single submitter. Criteria: GeneDx Variant Classification Process June 2021. Collection method: clinical testing. Allele origin: germline. Affected: yes.
Comment: In silico analysis supports that this missense variant does not alter protein structure/function; Has not been previously published as pathogenic or benign to our knowledge

NM_001170629.2(CHD8):c.6728G>A (p.Arg2243His)

Gene: CHD8 (chromodomain helicase DNA binding protein 8; minus strand). Cytogenetic location: 14q11.2.
Variant type: single nucleotide variant.
Coding change: c.6728G>A on transcript NM_001170629.2 (MANE Select); coding-DNA position 6728, G replaced by A.
Protein change: p.Arg2243His; replaces arginine 2243 with histidine.
Molecular consequence: missense variant.
Genome position (GRCh38, 1-based): chr14:21,392,550, C>T on the plus strand (G>A on the coding strand, the complement: CHD8 is on the minus strand). VCF-style: chr14-21392550-C-T. GRCh37 (hg19) VCF-style: chr14-21860709-C-T.
Other names: c.5891G>A, p.Arg1964His (NM_020920.4); short protein forms R1964H, R2243H.
Identifiers: ClinVar variation 2581987 (VCV002581987.1), dbSNP rs751516489, ClinGen allele CA7090731.
Genomic context (GRCh38, chr14:21,392,550, plus strand): 5'-CCAAATGCTGAGCTTACATCTTTGATTTGAACTGTAAACTCCTTTTCATCCATGCCTCGG[C>T]GAAGTTTGGTGAACTGGGCTGCCGCTGTGCTGACTGCAGATGCTTCCTCCTCTGCCATGG-3'
Protein context (NP_001164100.1, residues 2233-2253): STAAAQFTKL[Arg2243His]RGMDEKEFTV